The following is an entry in ClinVar:

ClinVar aggregate classification (germline): Uncertain significance (1 of 4 stars; one submission).

Submission:

Women's Health and Genetics/Laboratory Corporation of America, LabCorp
Classification: Uncertain significance. Last evaluated: 2024-08-15. Review status: criteria provided, single submitter. Criteria: LabCorp Variant Classification Summary - May 2015. Collection method: clinical testing. Allele origin: germline.
Comment: Variant summary: POLG c.3585G>A (p.Met1195Ile) results in a conservative amino acid change located in the DNA polymerase gamma, palm domain (IPR047580) of the encoded protein sequence. Three of five in-silico tools predict a damaging effect of the variant on protein function. The variant allele was found at a frequency of 4e-06 in 251490 control chromosomes. The available data on variant occurrences in the general population are insufficient to allow any conclusion about variant significance. c.3585G>A has been reported in the literature in at-least one individual affected with Parkinson's disease (example: Smaili_2023) . These report(s) do not provide unequivocal conclusions about association of the variant with Mitochondrial DNA Depletion Syndrome - POLG Related. To our knowledge, no experimental evidence demonstrating an impact on protein function has been reported. The following publication has been ascertained in the context of this evaluation (PMID: 37256495). No submitters have cited clinical-significance assessments for this variant to ClinVar. Based on the evidence outlined above, the variant was classified as uncertain significance.

Literature cited by the submitters: PubMed 37256495.

NM_002693.3(POLG):c.3585G>A (p.Met1195Ile)

Gene: POLG (DNA polymerase gamma, catalytic subunit; minus strand). Cytogenetic location: 15q26.1.
Variant type: single nucleotide variant.
Coding change: c.3585G>A on transcript NM_002693.3 (MANE Select); coding-DNA position 3585, G replaced by A.
Protein change: p.Met1195Ile; replaces methionine 1195 with isoleucine.
Molecular consequence: missense variant.
Genome position (GRCh38, 1-based): chr15:89,317,434, C>T on the plus strand (G>A on the coding strand, the complement: POLG is on the minus strand). VCF-style: chr15-89317434-C-T. GRCh37 (hg19) VCF-style: chr15-89860665-C-T.
Other names: c.3585G>A, p.Met1195Ile (NM_001126131.2); short protein forms M1195I.
Identifiers: ClinVar variation 3366770 (VCV003366770.1).